The following is an entry in ClinVar:

NM_152383.5(DIS3L2):c.1784A>G (p.His595Arg)

Gene: DIS3L2 (DIS3 like 3'-5' exoribonuclease 2; plus strand). Cytogenetic location: 2q37.1.
Variant type: single nucleotide variant.
Coding change: c.1784A>G on transcript NM_152383.5 (MANE Select); coding-DNA position 1784, A replaced by G.
Protein change: p.His595Arg; replaces histidine 595 with arginine.
Molecular consequence: missense variant. On other transcripts: intron variant (1).
Genome position (GRCh38, 1-based): chr2:232,329,857, A>G. VCF-style: chr2-232329857-A-G. GRCh37 (hg19) VCF-style: chr2-233194567-A-G.
Other names: c.1784A>G (NM_152383.4); c.1582-13488A>G (NM_001257281.2); short protein forms H595R.
Identifiers: ClinVar variation 1016620 (VCV001016620.10), dbSNP rs752819903, ClinGen allele CA2164269.

ClinVar aggregate classification (germline): Uncertain significance. Review status: criteria provided, multiple submitters, no conflicts (2 of 4 stars). 2 submissions from 2 submitters: Uncertain significance (2). Last evaluated 2023-07-14.

Conditions:
Inborn genetic diseases. Identifiers: MedGen C0950123, MeSH D030342.
Perlman syndrome (PRLMNS). Identifiers: Orphanet 2849, MedGen C0796113, MONDO:0009965, OMIM 267000.

Allele frequency attached by ClinVar (database versions not stated): ExAC 0.00001; gnomAD exomes 0.00001.
gnomAD v4.1: 8 of 1,340,650 alleles (0.0006%); highest among the groups gnomAD compares: South Asian, 0.0081%; no homozygotes.

Submissions (2):

Ambry Genetics
Classification: Uncertain significance for Inborn genetic diseases. Last evaluated: 2023-07-14. Review status: criteria provided, single submitter. Criteria: Ambry Variant Classification Scheme 2023. Collection method: clinical testing. Allele origin: germline.

Labcorp Genetics (formerly Invitae), Labcorp
Classification: Uncertain significance for Perlman syndrome. Last evaluated: 2023-02-08. Review status: criteria provided, single submitter. Criteria: Invitae Variant Classification Sherloc (09022015). Collection method: clinical testing. Allele origin: germline.
Comment: This sequence change replaces histidine, which is basic and polar, with arginine, which is basic and polar, at codon 595 of the DIS3L2 protein (p.His595Arg). This variant is present in population databases (rs752819903, gnomAD 0.007%). This variant has not been reported in the literature in individuals affected with DIS3L2-related conditions. ClinVar contains an entry for this variant (Variation ID: 1016620). Advanced modeling of protein sequence and biophysical properties (such as structural, functional, and spatial information, amino acid conservation, physicochemical variation, residue mobility, and thermodynamic stability) performed at Invitae indicates that this missense variant is not expected to disrupt DIS3L2 protein function. In summary, the available evidence is currently insufficient to determine the role of this variant in disease. Therefore, it has been classified as a Variant of Uncertain Significance.